The following is an entry in ClinVar:

ClinVar aggregate classification (germline): Uncertain significance (1 of 4 stars; one submission).

Allele frequency attached by ClinVar (database versions not stated): TOPMed 0.00008; ESP Exome Variant Server 0.00008; gnomAD 0.00008; ExAC 0.00007; gnomAD exomes 0.00010; 1000 Genomes Project 0.00020; 1000 Genomes Project 30x 0.00031.
gnomAD v4.1: 162 of 1,614,156 alleles (0.01%); highest among the groups gnomAD compares: Admixed American, 0.02%; no homozygotes.

Submission:

Labcorp Genetics (formerly Invitae), Labcorp
Classification: Uncertain significance. Last evaluated: 2025-12-23. Review status: criteria provided, single submitter. Criteria: Invitae Variant Classification Sherloc (09022015). Collection method: clinical testing. Allele origin: germline.
Comment: This sequence change affects codon 140 of the RPL18 mRNA. It is a 'silent' change, meaning that it does not change the encoded amino acid sequence of the RPL18 protein. It affects a nucleotide within the consensus splice site. This variant is present in population databases (rs370747953, gnomAD 0.02%). This variant has not been reported in the literature in individuals affected with RPL18-related conditions. ClinVar contains an entry for this variant (Variation ID: 2899432). Algorithms developed to predict the effect of sequence changes on RNA splicing suggest that this variant is not likely to affect RNA splicing. In summary, the available evidence is currently insufficient to determine the role of this variant in disease. Therefore, it has been classified as a Variant of Uncertain Significance.

NM_000979.4(RPL18):c.420C>T (p.Ser140=)

Gene: RPL18 (ribosomal protein L18; minus strand). Cytogenetic location: 19q13.33.
Variant type: single nucleotide variant.
Coding change: c.420C>T on transcript NM_000979.4 (MANE Select); coding-DNA position 420, C replaced by T.
Protein change: p.Ser140=; no amino-acid change (serine 140 retained).
Molecular consequence: synonymous variant. On other transcripts: non-coding transcript variant (1).
Genome position (GRCh38, 1-based): chr19:48,616,080, G>A on the plus strand (C>T on the coding strand, the complement: RPL18 is on the minus strand). VCF-style: chr19-48616080-G-A. GRCh37 (hg19) VCF-style: chr19-49119337-G-A.
Other names: c.333C>T, p.Ser111= (NM_001270490.2).
Identifiers: ClinVar variation 2899432 (VCV002899432.3), dbSNP rs370747953, ClinGen allele CA9554030.
Genomic context (GRCh38, chr19:48,616,080, plus strand): 5'-GTGAAGGCTGCCAGTAGCCACACAGCTCAGTCCAAACCCGTCGACCACGTATCACTCACC[G>A]GAGAGCAGGACAGTGCCACAGCCCTTAGGGGAGTCCAGGGCCAGCTGGTCGAAAGTGAGG-3'
Protein context (NP_000970.1, residues 130-150): SPKGCGTVLL[Ser140=]GPRKGREVYR